The following is an entry in ClinVar:

ClinVar aggregate classification (germline): Uncertain significance (1 of 4 stars; one submission).

Conditions:
Hereditary spastic paraplegia 73. Also called: Spastic paraplegia 73, autosomal dominant. Identifiers: Orphanet 444099, MedGen C5568981, MONDO:0014568, OMIM 616282.

Submission:

Labcorp Genetics (formerly Invitae), Labcorp
Classification: Uncertain significance for Hereditary spastic paraplegia 73. Last evaluated: 2024-04-16. Review status: criteria provided, single submitter. Criteria: Invitae Variant Classification Sherloc (09022015). Collection method: clinical testing. Allele origin: germline.
Comment: This sequence change affects codon 327 of the CPT1C mRNA. It is a 'silent' change, meaning that it does not change the encoded amino acid sequence of the CPT1C protein. This variant is not present in population databases (gnomAD no frequency). This variant has not been reported in the literature in individuals affected with CPT1C-related conditions. Algorithms developed to predict the effect of sequence changes on RNA splicing suggest that this variant may disrupt the consensus splice site. In summary, the available evidence is currently insufficient to determine the role of this variant in disease. Therefore, it has been classified as a Variant of Uncertain Significance.

NM_001199753.2(CPT1C):c.1012C>A (p.Arg338=)

Gene: CPT1C (carnitine palmitoyltransferase 1C; plus strand). Cytogenetic location: 19q13.33.
Variant type: single nucleotide variant.
Coding change: c.1012C>A on transcript NM_001199753.2 (MANE Select); coding-DNA position 1012, C replaced by A.
Protein change: p.Arg338=; no amino-acid change (arginine 338 retained).
Molecular consequence: synonymous variant. On other transcripts: non-coding transcript variant (1).
Genome position (GRCh38, 1-based): chr19:49,705,956, C>A. VCF-style: chr19-49705956-C-A. GRCh37 (hg19) VCF-style: chr19-50209213-C-A.
Other names: c.979C>A, p.Arg327= (NM_001136052.3, NM_001378485.1, NM_001378487.1); c.1012C>A, p.Arg338= (NM_001199752.3, NM_001378483.1, NM_001378484.1 and 3 more transcripts); c.1078C>A, p.Arg360= (NM_001378482.1).
Identifiers: ClinVar variation 3645737 (VCV003645737.2).
Genomic context (GRCh38, chr19:49,705,956, plus strand): 5'-ACGCCACCCCTAGACTACATCCGCCACCTCCATGACAGCCAACACGTGGCTGTCTTCCAC[C>A]GGGGCCGATTCTTCCGCATGGGGACCCACTCCCGAAACAGCCTGCTTTCCCCGAGAGCCC-3'
Protein context (NP_001186682.1, residues 328-348): HDSQHVAVFH[Arg338=]GRFFRMGTHS